The following is an entry in ClinVar:

ClinVar aggregate classification (germline): Uncertain significance (1 of 4 stars; one submission).

Conditions:
Arrhythmogenic right ventricular cardiomyopathy (ARVD). Also called: Arrhythmogenic right ventricular dysplasia; Cardiomyopathy, ARVC; Arrhythmogenic cardiomyopathy; Arrhythmogenic Right Ventricular Cardiomyopathy (ARVC). Identifiers: Orphanet 247, MedGen C0349788, MeSH D019571, MONDO:0016587. Disease mechanism: loss of function. Inheritance: Various modes of inheritance.

Submission:

All of Us Research Program, National Institutes of Health
Classification: Uncertain significance for Arrhythmogenic right ventricular cardiomyopathy. Last evaluated: 2024-06-09. Review status: criteria provided, single submitter. Criteria: ACMG Guidelines, 2015. Collection method: clinical testing. Allele origin: germline. Inheritance: Autosomal dominant inheritance. Observed: 1 variant allele, 1 heterozygote.
Comment: This missense variant replaces tyrosine with serine at codon 9 of the DSG2 protein. Computational prediction suggests that this variant may not impact protein structure and function (internally defined REVEL score threshold <= 0.5, PMID: 27666373). To our knowledge, functional studies have not been reported for this variant. This variant has not been reported in individuals affected with DSG2-related disorders in the literature. This variant has not been identified in the general population by the Genome Aggregation Database (gnomAD). The available evidence is insufficient to determine the role of this variant in disease conclusively. Therefore, this variant is classified as a Variant of Uncertain Significance.

This study involves interpretation of variants in research participants for the purpose of population health screening. Participant phenotype was not available at the time of variant classification. Additional details can be found in publication PMID: 35346344, PMCID: PMC8962531

NM_001943.5(DSG2):c.26A>C (p.Tyr9Ser)

Genes: DSG2 (desmoglein 2; plus strand), LOC130062340 (ATAC-STARR-seq lymphoblastoid silent region 9384; plus strand). Cytogenetic location: 18q12.1.
Variant type: single nucleotide variant.
Coding change: c.26A>C on transcript NM_001943.5 (MANE Select); coding-DNA position 26, A replaced by C.
Protein change: p.Tyr9Ser; replaces tyrosine 9 with serine.
Molecular consequence: missense variant.
Genome position (GRCh38, 1-based): chr18:31,498,277, A>C. VCF-style: chr18-31498277-A-C. GRCh37 (hg19) VCF-style: chr18-29078240-A-C.
Other names: short protein forms Y9S.
Identifiers: ClinVar variation 3386566 (VCV003386566.1).